The following is an entry in ClinVar:

NC_000011.10:g.77172749del

Gene: MYO7A (myosin VIIA; plus strand). Cytogenetic location: 11q13.5.
Variant type: Deletion.
Genome position: GRCh38 VCF-style: chr11-77172746-AG-A. GRCh37 (hg19) VCF-style: chr11-76883792-AG-A.
Identifiers: ClinVar variation 1459706 (VCV001459706.7), dbSNP rs2135406224, ClinGen allele CA2573147690.

ClinVar aggregate classification (germline): Pathogenic/Likely pathogenic. Review status: criteria provided, multiple submitters, no conflicts (2 of 4 stars). 2 submissions from 2 submitters: Pathogenic (1); Likely pathogenic (1). Last evaluated 2021-09-21.

Conditions:
MYO7A-related disorder. Also called: MYO7A-related disorders.

Submissions (2):

Blueprint Genetics
Classification: Likely pathogenic for MYO7A-related disorders. Last evaluated: 2021-09-21. Review status: criteria provided, single submitter. Criteria: ACMG Guidelines, 2015. Collection method: clinical testing. Allele origin: germline. Affected: yes. Observed: 1 variant allele.

Labcorp Genetics (formerly Invitae), Labcorp
Classification: Pathogenic. Last evaluated: 2021-07-29. Review status: criteria provided, single submitter. Criteria: Invitae Variant Classification Sherloc (09022015). Collection method: clinical testing. Allele origin: germline.
Comment: This variant is not present in population databases (ExAC no frequency). This sequence change creates a premature translational stop signal (p.Gly600Alafs*22) in the MYO7A gene. It is expected to result in an absent or disrupted protein product. Loss-of-function variants in MYO7A are known to be pathogenic (PMID: 8900236, 25404053). This premature translational stop signal has been observed in individual(s) with clinical features of autosomal recessive Usher syndrome (PMID: 16963483). For these reasons, this variant has been classified as Pathogenic. This variant is also known as 1798delG, G600fs.

Literature cited by the submitters: PubMed 8900236 (cited by Labcorp Genetics (formerly Invitae), Labcorp); PubMed 25404053 (cited by Labcorp Genetics (formerly Invitae), Labcorp); PubMed 16963483 (cited by Labcorp Genetics (formerly Invitae), Labcorp).